The following is an entry in ClinVar:

ClinVar aggregate classification (germline): Likely benign. Review status: criteria provided, multiple submitters, no conflicts (2 of 4 stars). 4 submissions from 4 submitters: Likely benign (4). Last evaluated 2026-04-15.

Allele frequency attached by ClinVar (database versions not stated): ESP Exome Variant Server 0.00031; TOPMed 0.00058; gnomAD 0.00066 and 0.00067; gnomAD exomes 0.00068; ExAC 0.00077.
gnomAD v4.1: 1,783 of 1,594,660 alleles (0.11%); highest among the groups gnomAD compares: Non-Finnish European, 0.14%; 3 homozygotes.

Submissions (4):

Women's Health and Genetics/Laboratory Corporation of America, LabCorp
Classification: Likely benign. Last evaluated: 2026-04-15. Review status: criteria provided, single submitter. Criteria: LabCorp Variant Classification Summary - May 2015. Collection method: clinical testing. Allele origin: germline.

Labcorp Genetics (formerly Invitae), Labcorp
Classification: Likely benign. Last evaluated: 2026-02-01. Review status: criteria provided, single submitter. Criteria: Invitae Variant Classification Sherloc (09022015). Collection method: clinical testing. Allele origin: germline.

Blueprint Genetics
Classification: Likely benign. Last evaluated: 2024-09-12. Review status: criteria provided, single submitter. Criteria: ACMG Guidelines, 2015. Collection method: clinical testing. Allele origin: germline.

GeneDx
Classification: Likely benign. Last evaluated: 2018-01-30. Review status: criteria provided, single submitter. Criteria: GeneDx Variant Classification (06012015). Collection method: clinical testing. Allele origin: germline. Affected: yes.
Comment: This variant is considered likely benign or benign based on one or more of the following criteria: it is a conservative change, it occurs at a poorly conserved position in the protein, it is predicted to be benign by multiple in silico algorithms, and/or has population frequency not consistent with disease.

NM_001854.4(COL11A1):c.3384+18G>A

Gene: COL11A1 (collagen type XI alpha 1 chain; minus strand). Cytogenetic location: 1p21.1.
Variant type: single nucleotide variant.
Coding change: c.3384+18G>A on transcript NM_001854.4 (MANE Select); 18 bases into the intron after coding-DNA position 3384, G replaced by A.
Molecular consequence: intron variant.
Genome position (GRCh38, 1-based): chr1:102,940,309, C>T on the plus strand (G>A on the coding strand, the complement: COL11A1 is on the minus strand). VCF-style: chr1-102940309-C-T. GRCh37 (hg19) VCF-style: chr1-103405865-C-T.
Other names: c.3267+18G>A (NM_001190709.2); c.3420+18G>A (NM_080629.3); c.3036+18G>A (NM_080630.4).
Identifiers: ClinVar variation 390589 (VCV000390589.10), dbSNP rs200425985, ClinGen allele CA974046.